The following is an entry in ClinVar:

NM_005336.6(HDLBP):c.15A>G (p.Ala5=)

Gene: HDLBP (high density lipoprotein binding protein; minus strand). Cytogenetic location: 2q37.3.
Variant type: single nucleotide variant.
Coding change: c.15A>G on transcript NM_005336.6 (MANE Select); coding-DNA position 15, A replaced by G.
Protein change: p.Ala5=; no amino-acid change (alanine 5 retained).
Molecular consequence: synonymous variant.
Genome position (GRCh38, 1-based): chr2:241,266,855, T>C on the plus strand (A>G on the coding strand, the complement: HDLBP is on the minus strand). VCF-style: chr2-241266855-T-C. GRCh37 (hg19) VCF-style: chr2-242206270-T-C.
Other names: c.123A>G, p.Ala41= (NM_001243900.3); c.15A>G, p.Ala5= (NM_001320965.3, NM_001320966.3, NM_001320967.3 and 1 more transcripts).
Identifiers: ClinVar variation 3048378 (VCV003048378.2), dbSNP rs199642392, ClinGen allele CA2217024.
Genomic context (GRCh38, chr2:241,266,855, plus strand): 5'-TTTGATTTGTTGCGGAACCAGCCCACTTCGGTGTTCAGCAAAACTCTCTTGGGTCAAAAC[T>C]GCAACGGAACTCATGGTTGATCTCACACCTACACACAATCCGGGAAAACCACTAAAGCAA-3'
Protein context (NP_005327.1, residues 1-15): MSSV[Ala5=]VLTQESFAEH

ClinVar aggregate classification (germline): Likely benign (0 of 4 stars; one submission).

Conditions:
HDLBP-related disorder. Also called: HDLBP-related condition.

Allele frequency attached by ClinVar (database versions not stated): ESP Exome Variant Server 0.00008; ExAC 0.00021; TOPMed 0.00023; gnomAD 0.00027; gnomAD exomes 0.00032.
gnomAD v4.1: 509 of 1,614,066 alleles (0.032%); highest among the groups gnomAD compares: Non-Finnish European, 0.04%; no homozygotes.

Submission:

PreventionGenetics, part of Exact Sciences
Classification: Likely benign for HDLBP-related condition. Last evaluated: 2020-11-30. Review status: no assertion criteria provided. Collection method: clinical testing. Allele origin: germline.
Comment: This variant is classified as likely benign based on ACMG/AMP sequence variant interpretation guidelines (Richards et al. 2015 PMID: 25741868, with internal and published modifications).